The following is an entry in ClinVar:

NM_004706.4(ARHGEF1):c.572G>A (p.Arg191Gln)

Gene: ARHGEF1 (Rho guanine nucleotide exchange factor 1; plus strand). Cytogenetic location: 19q13.2.
Variant type: single nucleotide variant.
Coding change: c.572G>A on transcript NM_004706.4 (MANE Select); coding-DNA position 572, G replaced by A.
Protein change: p.Arg191Gln; replaces arginine 191 with glutamine.
Molecular consequence: missense variant. On other transcripts: non-coding transcript variant (2).
Genome position (GRCh38, 1-based): chr19:41,892,807, G>A. VCF-style: chr19-41892807-G-A. GRCh37 (hg19) VCF-style: chr19-42396878-G-A.
Other names: c.617G>A (NM_199002.1); c.572G>A, p.Arg191Gln (NM_001396000.1, NM_001396003.1, NM_001396006.1); c.473G>A, p.Arg158Gln (NM_001396002.1, NM_001396004.1, NM_198977.2); c.617G>A, p.Arg206Gln (NM_199002.2); short protein forms R191Q, R206Q, R158Q.
Identifiers: ClinVar variation 2967712 (VCV002967712.4), dbSNP rs782282800, ClinGen allele CA9465943.

ClinVar aggregate classification (germline): Uncertain significance. Review status: criteria provided, multiple submitters, no conflicts (2 of 4 stars). 2 submissions from 2 submitters: Uncertain significance (2). Last evaluated 2024-10-01.

Allele frequency attached by ClinVar (database versions not stated): ExAC 0.00001.
gnomAD v4.1: 18 of 1,588,702 alleles (0.0011%); highest among the groups gnomAD compares: South Asian, 0.0056%; 1 homozygote.

Submissions (2):

Ambry Genetics
Classification: Uncertain significance. Last evaluated: 2024-10-01. Review status: criteria provided, single submitter. Criteria: Ambry Variant Classification Scheme 2023. Collection method: clinical testing. Allele origin: germline.

Labcorp Genetics (formerly Invitae), Labcorp
Classification: Uncertain significance. Last evaluated: 2022-12-06. Review status: criteria provided, single submitter. Criteria: Invitae Variant Classification Sherloc (09022015). Collection method: clinical testing. Allele origin: germline.
Comment: In summary, the available evidence is currently insufficient to determine the role of this variant in disease. Therefore, it has been classified as a Variant of Uncertain Significance. Algorithms developed to predict the effect of missense changes on protein structure and function are either unavailable or do not agree on the potential impact of this missense change (SIFT: "Deleterious"; PolyPhen-2: "Possibly Damaging"; Align-GVGD: "Class C0"). This variant has not been reported in the literature in individuals affected with ARHGEF1-related conditions. This variant is present in population databases (rs782282800, gnomAD 0.003%). This sequence change replaces arginine, which is basic and polar, with glutamine, which is neutral and polar, at codon 206 of the ARHGEF1 protein (p.Arg206Gln).